The following is an entry in ClinVar:

ClinVar aggregate classification (germline): Conflicting classifications of pathogenicity. Review status: criteria provided, conflicting classifications (1 of 4 stars). 2 submissions from 2 submitters: Uncertain significance (1); Likely benign (1). Last evaluated 2025-10-09.

Conditions:
Hereditary cancer-predisposing syndrome. Also called: Tumor predisposition; Neoplastic Syndromes, Hereditary; Hereditary Cancer Syndrome; Hereditary neoplastic syndrome. Identifiers: Orphanet 140162, MedGen C0027672, MeSH D009386, MONDO:0015356.

Allele frequency attached by ClinVar (database versions not stated): TOPMed below 0.00001; gnomAD exomes 0.00002 and 0.00006; gnomAD 0.00003; ExAC 0.00007.
gnomAD v4.1: 37 of 1,614,002 alleles (0.0023%); highest among the groups gnomAD compares: South Asian, 0.04%; no homozygotes.

Submissions (2):

Labcorp Genetics (formerly Invitae), Labcorp
Classification: Uncertain significance. Last evaluated: 2025-10-09. Review status: criteria provided, single submitter. Criteria: Invitae Variant Classification Sherloc (09022015). Collection method: clinical testing. Allele origin: germline.
Comment: This sequence change replaces glutamic acid, which is acidic and polar, with lysine, which is basic and polar, at codon 204 of the POLE protein (p.Glu204Lys). This variant is present in population databases (rs758775510, gnomAD 0.05%). This variant has not been reported in the literature in individuals affected with POLE-related conditions. ClinVar contains an entry for this variant (Variation ID: 1383844). Invitae Evidence Modeling of protein sequence and biophysical properties (such as structural, functional, and spatial information, amino acid conservation, physicochemical variation, residue mobility, and thermodynamic stability) indicates that this missense variant is not expected to disrupt POLE protein function with a negative predictive value of 80%. In summary, the available evidence is currently insufficient to determine the role of this variant in disease. Therefore, it has been classified as a Variant of Uncertain Significance.

Ambry Genetics
Classification: Likely benign for Hereditary cancer-predisposing syndrome. Last evaluated: 2024-10-17. Review status: criteria provided, single submitter. Criteria: Ambry Variant Classification Scheme 2023. Collection method: clinical testing. Allele origin: germline.

NM_006231.4(POLE):c.610G>A (p.Glu204Lys)

Gene: POLE (DNA polymerase epsilon, catalytic subunit; minus strand). Cytogenetic location: 12q24.33.
Variant type: single nucleotide variant.
Coding change: c.610G>A on transcript NM_006231.4 (MANE Select); coding-DNA position 610, G replaced by A.
Protein change: p.Glu204Lys; replaces glutamic acid 204 with lysine.
Molecular consequence: missense variant.
Genome position (GRCh38, 1-based): chr12:132,677,688, C>T on the plus strand (G>A on the coding strand, the complement: POLE is on the minus strand). VCF-style: chr12-132677688-C-T. GRCh37 (hg19) VCF-style: chr12-133254274-C-T.
Other names: short protein forms E204K.
Identifiers: ClinVar variation 1383844 (VCV001383844.11), dbSNP rs758775510, ClinGen allele CA6894253.